The following is an entry in ClinVar:

NM_173630.4(RTTN):c.934C>T (p.Arg312Trp)

Gene: RTTN (rotatin; minus strand). Cytogenetic location: 18q22.2.
Variant type: single nucleotide variant.
Coding change: c.934C>T on transcript NM_173630.4 (MANE Select); coding-DNA position 934, C replaced by T.
Protein change: p.Arg312Trp; replaces arginine 312 with tryptophan.
Molecular consequence: missense variant. On other transcripts: 5 prime UTR variant (1).
Genome position (GRCh38, 1-based): chr18:70,193,361, G>A on the plus strand (C>T on the coding strand, the complement: RTTN is on the minus strand). VCF-style: chr18-70193361-G-A. GRCh37 (hg19) VCF-style: chr18-67860597-G-A.
Other names: c.-1620C>T (NM_001318520.2); short protein forms R312W.
Identifiers: ClinVar variation 1927914 (VCV001927914.5), dbSNP rs767408015, ClinGen allele CA8996320.

ClinVar aggregate classification (germline): Uncertain significance (1 of 4 stars; one submission).

Allele frequency attached by ClinVar (database versions not stated): gnomAD 0.00001; gnomAD exomes 0.00001; ExAC 0.00002; TOPMed 0.00002.
gnomAD v4.1: 17 of 1,609,890 alleles (0.0011%); highest among the groups gnomAD compares: African/African-American, 0.0013%; no homozygotes.

Submission:

Labcorp Genetics (formerly Invitae), Labcorp
Classification: Uncertain significance. Last evaluated: 2022-05-29. Review status: criteria provided, single submitter. Criteria: Invitae Variant Classification Sherloc (09022015). Collection method: clinical testing. Allele origin: germline.
Comment: This sequence change replaces arginine, which is basic and polar, with tryptophan, which is neutral and slightly polar, at codon 312 of the RTTN protein (p.Arg312Trp). The frequency data for this variant in the population databases is considered unreliable, as metrics indicate poor data quality at this position in the gnomAD database. This variant has not been reported in the literature in individuals affected with RTTN-related conditions. Algorithms developed to predict the effect of missense changes on protein structure and function are either unavailable or do not agree on the potential impact of this missense change (SIFT: "Deleterious"; PolyPhen-2: "Probably Damaging"; Align-GVGD: "Class C0"). In summary, the available evidence is currently insufficient to determine the role of this variant in disease. Therefore, it has been classified as a Variant of Uncertain Significance.